The following is an entry in ClinVar:

NM_001379500.1(COL18A1):c.2539C>T (p.Pro847Ser)

Gene: COL18A1 (collagen type XVIII alpha 1 chain; plus strand). Cytogenetic location: 21q22.3.
Variant type: single nucleotide variant.
Coding change: c.2539C>T on transcript NM_001379500.1 (MANE Select); coding-DNA position 2539, C replaced by T.
Protein change: p.Pro847Ser; replaces proline 847 with serine.
Molecular consequence: missense variant.
Genome position (GRCh38, 1-based): chr21:45,496,530, C>T. VCF-style: chr21-45496530-C-T. GRCh37 (hg19) VCF-style: chr21-46916444-C-T.
Other names: NM_130445.2:c.2539C>T; c.3079C>T, p.Pro1027Ser (NM_030582.4); c.3784C>T, p.Pro1262Ser (NM_130444.3); short protein forms P1262S, P847S, P1027S.
Identifiers: ClinVar variation 1943991 (VCV001943991.3), dbSNP rs777349625, ClinGen allele CA10067176.

ClinVar aggregate classification (germline): Uncertain significance. Review status: criteria provided, multiple submitters, no conflicts (2 of 4 stars). 2 submissions from 2 submitters: Uncertain significance (2). Last evaluated 2023-02-10.

Allele frequency attached by ClinVar (database versions not stated): ExAC 0.00001.
gnomAD v4.1: 9 of 1,523,562 alleles (0.00059%); highest among the groups gnomAD compares: Admixed American, 0.0083%; no homozygotes.

Submissions (2):

GeneDx
Classification: Uncertain significance. Last evaluated: 2023-02-10. Review status: criteria provided, single submitter. Criteria: GeneDx Variant Classification Process June 2021. Collection method: clinical testing. Allele origin: germline. Affected: yes.
Comment: In silico analysis supports that this missense variant has a deleterious effect on protein structure/function; Has not been previously published as pathogenic or benign to our knowledge

Labcorp Genetics (formerly Invitae), Labcorp
Classification: Uncertain significance. Last evaluated: 2022-06-22. Review status: criteria provided, single submitter. Criteria: Invitae Variant Classification Sherloc (09022015). Collection method: clinical testing. Allele origin: germline.
Comment: This sequence change replaces proline, which is neutral and non-polar, with serine, which is neutral and polar, at codon 847 of the COL18A1 protein (p.Pro847Ser). This variant is present in population databases (rs777349625, gnomAD 0.01%). This variant has not been reported in the literature in individuals affected with COL18A1-related conditions. Experimental studies and prediction algorithms are not available or were not evaluated, and the functional significance of this variant is currently unknown. In summary, the available evidence is currently insufficient to determine the role of this variant in disease. Therefore, it has been classified as a Variant of Uncertain Significance.